The following is an entry in ClinVar:

NM_004438.5(EPHA4):c.1716-2A>G

Gene: EPHA4 (EPH receptor A4; minus strand). Cytogenetic location: 2q36.1.
Variant type: single nucleotide variant.
Coding change: c.1716-2A>G on transcript NM_004438.5 (MANE Select); the canonical splice acceptor site of the intron before coding-DNA position 1716, A replaced by G.
Molecular consequence: splice acceptor variant.
Genome position (GRCh38, 1-based): chr2:221,446,183, T>C on the plus strand (A>G on the coding strand, the complement: EPHA4 is on the minus strand). VCF-style: chr2-221446183-T-C. GRCh37 (hg19) VCF-style: chr2-222310903-T-C.
Other names: c.1716-2A>G (NM_001363748.2, NM_001304536.2); c.1563-2A>G (NM_001304537.2).
Identifiers: ClinVar variation 3239492 (VCV003239492.19), dbSNP rs2469210175.
Genomic context (GRCh38, chr2:221,446,183, plus strand): 5'-CTTGATTCAAATGTTTCTCTTCATCCGCTTCTTGTTTGGCTTTACTGTATTTACTCCGTC[T>C]ATTAAAATTTTTTTAAAAAAGAGAATTATTTTCCTCAAACACCTAAGCTTTAACACATGC-3'

ClinVar aggregate classification (germline): Uncertain significance (1 of 4 stars; one submission).

Submission:

CeGaT Center for Human Genetics Tuebingen
Classification: Uncertain significance. Last evaluated: 2024-05-01. Review status: criteria provided, single submitter. Criteria: CeGaT Center For Human Genetics Tuebingen Variant Classification Criteria Version 2. Collection method: clinical testing. Allele origin: germline. Affected: yes. Observed: 1 variant allele.
Comment: EPHA4: PM2